The following is an entry in ClinVar:

NM_007373.4(SHOC2):c.107A>G (p.Lys36Arg)

Gene: SHOC2 (SHOC2 leucine rich repeat scaffold protein; plus strand). Cytogenetic location: 10q25.2.
Variant type: single nucleotide variant.
Coding change: c.107A>G on transcript NM_007373.4 (MANE Select); coding-DNA position 107, A replaced by G.
Protein change: p.Lys36Arg; replaces lysine 36 with arginine.
Molecular consequence: missense variant.
Genome position (GRCh38, 1-based): chr10:110,964,465, A>G. VCF-style: chr10-110964465-A-G. GRCh37 (hg19) VCF-style: chr10-112724223-A-G.
Other names: c.107A>G, p.Lys36Arg (NM_001269039.3, NM_001324336.2, NM_001324337.2); short protein forms K36R.
Identifiers: ClinVar variation 2141254 (VCV002141254.7), dbSNP rs757303783, ClinGen allele CA5689556.
Genomic context (GRCh38, chr10:110,964,465, plus strand): 5'-CCAAAGTACCATCAGCCAAGGAAAGAGAAAAGGAGGCAAAAGCCTCTGGAGGTTTTGGGA[A>G]AGAGAGCAAAGAAAAAGAACCTAAGACCAAAGGGAAAGATGCCAAAGATGGAAAGAAGGA-3'
Protein context (NP_031399.2, residues 26-46): KEAKASGGFG[Lys36Arg]ESKEKEPKTK

ClinVar aggregate classification (germline): Uncertain significance. Review status: criteria provided, multiple submitters, no conflicts (2 of 4 stars). 3 submissions from 3 submitters: Uncertain significance (3). Last evaluated 2026-01-22.

Conditions:
Cardiovascular phenotype. Identifiers: MedGen CN230736.
RASopathy. Also called: Noonan spectrum disorder; rasopathies. Identifiers: Orphanet 536391, MedGen C5555857, MONDO:0021060.

Allele frequency attached by ClinVar (database versions not stated): gnomAD exomes below 0.00001; ExAC 0.00002.
gnomAD v4.1: 2 of 1,613,966 alleles (0.00012%); highest among the groups gnomAD compares: Admixed American, 0.0033%; no homozygotes.

Submissions (3):

Labcorp Genetics (formerly Invitae), Labcorp
Classification: Uncertain significance for RASopathy. Last evaluated: 2026-01-22. Review status: criteria provided, single submitter. Criteria: Invitae Variant Classification Sherloc (09022015). Collection method: clinical testing. Allele origin: germline.
Comment: This sequence change replaces lysine, which is basic and polar, with arginine, which is basic and polar, at codon 36 of the SHOC2 protein (p.Lys36Arg). This variant is present in population databases (rs757303783, gnomAD 0.006%). This variant has not been reported in the literature in individuals affected with SHOC2-related conditions. ClinVar contains an entry for this variant (Variation ID: 2141254). An algorithm developed to predict the effect of missense changes on protein structure and function (PolyPhen-2) suggests that this variant is likely to be tolerated. In summary, the available evidence is currently insufficient to determine the role of this variant in disease. Therefore, it has been classified as a Variant of Uncertain Significance.

Ambry Genetics
Classification: Uncertain significance for Cardiovascular phenotype. Last evaluated: 2025-10-15. Review status: criteria provided, single submitter. Criteria: Ambry Variant Classification Scheme 2023. Collection method: clinical testing. Allele origin: germline.

Women's Health and Genetics/Laboratory Corporation of America, LabCorp
Classification: Uncertain significance. Last evaluated: 2024-02-19. Review status: criteria provided, single submitter. Criteria: LabCorp Variant Classification Summary - May 2015. Collection method: clinical testing. Allele origin: germline.